The following is an entry in ClinVar:

ClinVar aggregate classification (germline): Uncertain significance (1 of 4 stars; one submission).

Allele frequency attached by ClinVar (database versions not stated): ExAC 0.00001.
gnomAD v4.1: 3 of 1,607,580 alleles (0.00019%); highest among the groups gnomAD compares: South Asian, 0.0011%; no homozygotes.

Submission:

Labcorp Genetics (formerly Invitae), Labcorp
Classification: Uncertain significance. Last evaluated: 2022-08-03. Review status: criteria provided, single submitter. Criteria: Invitae Variant Classification Sherloc (09022015). Collection method: clinical testing. Allele origin: germline.
Comment: In summary, the available evidence is currently insufficient to determine the role of this variant in disease. Therefore, it has been classified as a Variant of Uncertain Significance. Algorithms developed to predict the effect of missense changes on protein structure and function (SIFT, PolyPhen-2, Align-GVGD) all suggest that this variant is likely to be disruptive. This sequence change replaces proline, which is neutral and non-polar, with threonine, which is neutral and polar, at codon 1346 of the VCAN protein (p.Pro1346Thr). This variant is present in population databases (rs751023698, gnomAD 0.0009%). This variant has not been reported in the literature in individuals affected with VCAN-related conditions.

NM_004385.5(VCAN):c.4036C>A (p.Pro1346Thr)

Genes: VCAN (versican; plus strand), VCAN-AS1 (VCAN antisense RNA 1; minus strand). Cytogenetic location: 5q14.3.
Variant type: single nucleotide variant.
Coding change: c.4036C>A on transcript NM_004385.5 (MANE Select); coding-DNA position 4036, C replaced by A.
Protein change: p.Pro1346Thr; replaces proline 1346 with threonine.
Molecular consequence: missense variant. On other transcripts: intron variant (2).
Genome position (GRCh38, 1-based): chr5:83,537,039, C>A. VCF-style: chr5-83537039-C-A. GRCh37 (hg19) VCF-style: chr5-82832858-C-A.
Other names: c.1075C>A, p.Pro359Thr (NM_001164097.2); c.4004-8498C>A (NM_001164098.2); c.1043-8498C>A (NM_001126336.3); short protein forms P1346T, P359T.
Identifiers: ClinVar variation 2129219 (VCV002129219.4), dbSNP rs751023698, ClinGen allele CA3333107.